The following is an entry in ClinVar:

ClinVar aggregate classification (germline): Conflicting classifications of pathogenicity. Review status: criteria provided, conflicting classifications (1 of 4 stars). 5 submissions from 5 submitters: Uncertain significance (4); Likely benign (1). Last evaluated 2026-03-27.

Conditions:
Autosomal dominant centronuclear myopathy. Also called: MYOTUBULAR MYOPATHY, AUTOSOMAL DOMINANT; Myopathy, centronuclear, 3. Identifiers: Orphanet 169189, MedGen C4551952, MeSH D020914, MONDO:0008048, OMIM 160150.

Allele frequency attached by ClinVar (database versions not stated): ExAC 0.00002; gnomAD 0.00006; TOPMed 0.00006.
gnomAD v4.1: 74 of 1,613,958 alleles (0.0046%); highest among the groups gnomAD compares: Non-Finnish European, 0.0053%; no homozygotes.

Submissions (5):

Ambry Genetics
Classification: Uncertain significance. Last evaluated: 2026-03-27. Review status: criteria provided, single submitter. Criteria: Ambry Variant Classification Scheme 2023. Collection method: clinical testing. Allele origin: germline.
Comment: The c.1144C>T (p.R382W) alteration is located in exon 13 (coding exon 13) of the MTMR14 gene. This alteration results from a C to T substitution at nucleotide position 1144, causing the arginine (R) at amino acid position 382 to be replaced by a tryptophan (W). Based on data from gnomAD, the T allele has an overall frequency of 0.004% (10/280916) total alleles studied. The highest observed frequency was 0.01% (2/19538) of East Asian alleles. Based on insufficient or conflicting evidence, the clinical significance of this alteration remains unclear.

Labcorp Genetics (formerly Invitae), Labcorp
Classification: Uncertain significance. Last evaluated: 2022-02-21. Review status: criteria provided, single submitter. Criteria: Invitae Variant Classification Sherloc (09022015). Collection method: clinical testing. Allele origin: germline.
Comment: This variant has not been reported in the literature in individuals affected with MTMR14-related conditions. In summary, the available evidence is currently insufficient to determine the role of this variant in disease. Therefore, it has been classified as a Variant of Uncertain Significance. Algorithms developed to predict the effect of missense changes on protein structure and function (SIFT, PolyPhen-2, Align-GVGD) all suggest that this variant is likely to be disruptive. ClinVar contains an entry for this variant (Variation ID: 809415). This variant is present in population databases (rs757251437, gnomAD 0.01%). This sequence change replaces arginine, which is basic and polar, with tryptophan, which is neutral and slightly polar, at codon 382 of the MTMR14 protein (p.Arg382Trp).

Genomic Research Center, Shahid Beheshti University of Medical Sciences
Classification: Likely benign for Autosomal dominant centronuclear myopathy. Last evaluated: 2020-05-03. Review status: criteria provided, single submitter. Criteria: ACMG Guidelines, 2015. Collection method: clinical testing. Allele origin: unknown. Affected: yes.

Revvity Omics, Revvity
Classification: Uncertain significance. Last evaluated: 2019-08-08. Review status: criteria provided, single submitter. Criteria: ACMG Guidelines, 2015. Collection method: clinical testing. Allele origin: germline.

CeGaT Center for Human Genetics Tuebingen
Classification: Uncertain significance. Last evaluated: 2018-01-01. Review status: criteria provided, single submitter. Criteria: CeGaT Center For Human Genetics Tuebingen Variant Classification Criteria Version 2. Collection method: clinical testing. Allele origin: germline. Affected: yes. Observed: 1 variant allele.

NM_001077525.3(MTMR14):c.1144C>T (p.Arg382Trp)

Gene: MTMR14 (myotubularin related protein 14; plus strand). Cytogenetic location: 3p25.3.
Variant type: single nucleotide variant.
Coding change: c.1144C>T on transcript NM_001077525.3 (MANE Select); coding-DNA position 1144, C replaced by T.
Protein change: p.Arg382Trp; replaces arginine 382 with tryptophan.
Molecular consequence: missense variant.
Genome position (GRCh38, 1-based): chr3:9,685,227, C>T. VCF-style: chr3-9685227-C-T. GRCh37 (hg19) VCF-style: chr3-9726911-C-T.
Other names: c.1144C>T (NM_022485.4); c.1144C>T, p.Arg382Trp (NM_001077526.3, NM_022485.5); short protein forms R382W.
Identifiers: ClinVar variation 809415 (VCV000809415.52), dbSNP rs757251437, ClinGen allele CA2240631.